The following is an entry in ClinVar:

NM_006939.4(SOS2):c.1358C>G (p.Ala453Gly)

Gene: SOS2 (SOS Ras/Rho guanine nucleotide exchange factor 2; minus strand). Cytogenetic location: 14q21.3.
Variant type: single nucleotide variant.
Coding change: c.1358C>G on transcript NM_006939.4 (MANE Select); coding-DNA position 1358, C replaced by G.
Protein change: p.Ala453Gly; replaces alanine 453 with glycine.
Molecular consequence: missense variant.
Genome position (GRCh38, 1-based): chr14:50,159,925, G>C on the plus strand (C>G on the coding strand, the complement: SOS2 is on the minus strand). VCF-style: chr14-50159925-G-C. GRCh37 (hg19) VCF-style: chr14-50626643-G-C.
Other names: c.1259C>G, p.Ala420Gly (NM_001411020.1); short protein forms A420G, A453G.
Identifiers: ClinVar variation 3347543 (VCV003347543.1).

ClinVar aggregate classification (germline): Uncertain significance (0 of 4 stars; one submission).

Conditions:
SOS2-related disorder. Also called: SOS2-related condition.

Submission:

PreventionGenetics, part of Exact Sciences
Classification: Uncertain significance for SOS2-related condition. Last evaluated: 2024-09-20. Review status: no assertion criteria provided. Collection method: clinical testing. Allele origin: germline.
Comment: The SOS2 c.1358C>G variant is predicted to result in the amino acid substitution p.Ala453Gly. To our knowledge, this variant has not been reported in the literature or in gnomAD, indicating this variant is rare. At this time, the clinical significance of this variant is uncertain due to the absence of conclusive functional and genetic evidence.